The following is an entry in ClinVar:

ClinVar aggregate classification (germline): Benign/Likely benign. Review status: criteria provided, multiple submitters, no conflicts (2 of 4 stars). 20 submissions from 17 submitters: Benign (15); Likely benign (2). 3 of the submissions do not count toward it. Last evaluated 2026-02-03.

Conditions:
Dilated cardiomyopathy 1G (CMD1G). Identifiers: Orphanet 154, MedGen C1858763, MONDO:0011400, OMIM 604145.
Autosomal recessive limb-girdle muscular dystrophy type 2J (LGMDR10). Also called: MUSCULAR DYSTROPHY, LIMB-GIRDLE, AUTOSOMAL RECESSIVE 10; Limb-girdle muscular dystrophy, type 2J. Identifiers: Orphanet 140922, MedGen C1837342, MONDO:0012127, OMIM 608807.
TTN-related disorder. Also called: TTN-related disorders; TTN-related condition; TTN-related disease.
Cardiovascular phenotype. Identifiers: MedGen CN230736.
Cardiomyopathy (CMYO). Also called: Cardiomyopathies. Identifiers: Orphanet 167848, MedGen C0878544, MONDO:0004994, HP:0001638. Inheritance: Various modes of inheritance.
Early-onset myopathy with fatal cardiomyopathy (CMYO5). Also called: CONGENITAL MYOPATHY 5 WITH CARDIOMYOPATHY; Salih Myopathy. Identifiers: Orphanet 289377, MedGen C2673677, MONDO:0012714, OMIM 611705. Disease mechanism: loss of function.
Myopathy, myofibrillar, 9, with early respiratory failure (MFM9). Also called: Myopathy, distal, with early respiratory failure, autosomal dominant; Hereditary myopathy with early respiratory failure; MYOPATHY, PROXIMAL, WITH EARLY RESPIRATORY MUSCLE INVOLVEMENT; EDSTROM MYOPATHY. Identifiers: Orphanet 178464, Orphanet 34521, MedGen C1863599, MONDO:0011362, OMIM 603689.
Tibial muscular dystrophy (TMD). Also called: Udd Distal Myopathy – Tibial Muscular Dystrophy; Tibial muscular dystrophy, tardive; UDD MYOPATHY. Identifiers: Orphanet 609, MedGen C1838244, MONDO:0010870, OMIM 600334.

Allele frequency attached by ClinVar (database versions not stated): ESP Exome Variant Server 0.00436; TOPMed 0.00438; ExAC 0.00119; 1000 Genomes Project 0.00399; 1000 Genomes Project 30x 0.00422; gnomAD 0.00471.
gnomAD v4.1: 1,297 of 1,613,886 alleles (0.08%); highest among the groups gnomAD compares: African/African-American, 1.5%; 13 homozygotes.

Submissions (20):

Labcorp Genetics (formerly Invitae), Labcorp
Classification: Benign for Dilated cardiomyopathy 1G; Autosomal recessive limb-girdle muscular dystrophy type 2J. Last evaluated: 2026-02-03. Review status: criteria provided, single submitter. Criteria: Invitae Variant Classification Sherloc (09022015). Collection method: clinical testing. Allele origin: germline.

Molecular Diagnostic Laboratory for Inherited Cardiovascular Disease, Montreal Heart Institute
Classification: Likely benign. Last evaluated: 2025-04-09. Review status: criteria provided, single submitter. Criteria: ACMG Guidelines, 2015. Collection method: clinical testing. Allele origin: germline. Affected: no.

ARUP Laboratories, Molecular Genetics and Genomics, ARUP Laboratories
Classification: Benign. Last evaluated: 2024-12-12. Review status: criteria provided, single submitter. Criteria: ARUP Molecular Germline Variant Investigation Process 2024. Collection method: clinical testing. Allele origin: germline.

Blueprint Genetics
Classification: Likely benign. Last evaluated: 2024-11-26. Review status: criteria provided, single submitter. Criteria: ACMG Guidelines, 2015. Collection method: clinical testing. Allele origin: germline.

CeGaT Center for Human Genetics Tuebingen
Classification: Benign. Last evaluated: 2023-12-01. Review status: criteria provided, single submitter. Criteria: CeGaT Center For Human Genetics Tuebingen Variant Classification Criteria Version 2. Collection method: clinical testing. Allele origin: germline. Affected: yes. Observed: 1 variant allele.
Comment: TTN: BP4, BS1, BS2

Athena Diagnostics
Classification: Benign. Last evaluated: 2023-10-17. Review status: criteria provided, single submitter. Criteria: Athena Diagnostics Criteria. Collection method: clinical testing. Allele origin: unknown.

Genome-Nilou Lab
Classification: Benign for Autosomal recessive limb-girdle muscular dystrophy type 2J. Last evaluated: 2021-09-10. Review status: criteria provided, single submitter. Criteria: ACMG Guidelines, 2015. Collection method: clinical testing. Allele origin: germline. Affected: no.

Genome-Nilou Lab
Classification: Benign for Myopathy, myofibrillar, 9, with early respiratory failure. Last evaluated: 2021-09-10. Review status: criteria provided, single submitter. Criteria: ACMG Guidelines, 2015. Collection method: clinical testing. Allele origin: germline. Affected: no.

Genome-Nilou Lab
Classification: Benign for Early-onset myopathy with fatal cardiomyopathy. Last evaluated: 2021-09-10. Review status: criteria provided, single submitter. Criteria: ACMG Guidelines, 2015. Collection method: clinical testing. Allele origin: germline. Affected: no.

Genome-Nilou Lab
Classification: Benign for Tibial muscular dystrophy. Last evaluated: 2021-09-10. Review status: criteria provided, single submitter. Criteria: ACMG Guidelines, 2015. Collection method: clinical testing. Allele origin: germline. Affected: no.

Center for Advanced Laboratory Medicine, UC San Diego Health, University of California San Diego
Classification: Benign for Cardiomyopathy. Last evaluated: 2018-05-23. Review status: criteria provided, single submitter. Criteria: ACMG Guidelines, 2015. Collection method: clinical testing. Allele origin: germline. Affected: yes. Observed: 2 variant alleles.

Ambry Genetics
Classification: Benign for Cardiovascular phenotype. Last evaluated: 2016-07-19. Review status: criteria provided, single submitter. Criteria: Ambry Variant Classification Scheme 2023. Collection method: clinical testing. Allele origin: germline.

CHEO Genetics Diagnostic Laboratory, Children's Hospital of Eastern Ontario
Classification: Benign for Cardiomyopathy. Last evaluated: 2016-03-09. Review status: criteria provided, single submitter. Criteria: ACMG Guidelines, 2015. Collection method: clinical testing. Allele origin: germline. Study: Canadian Open Genetics Repository.

GeneDx
Classification: Benign. Last evaluated: 2014-05-01. Review status: criteria provided, single submitter. Criteria: GeneDx Variant Classification (06012015). Collection method: clinical testing. Allele origin: germline. Affected: yes.
Comment: This variant is considered likely benign or benign based on one or more of the following criteria: it is a conservative change, it occurs at a poorly conserved position in the protein, it is predicted to be benign by multiple in silico algorithms, and/or has population frequency not consistent with disease.

Biesecker Lab/Clinical Genomics Section, National Institutes of Health
Classification: Benign. Last evaluated: 2013-06-24. Review status: criteria provided, single submitter. Criteria: Ng et al. (Circ Cardiovasc Genet. 2013). Collection method: research. Allele origin: unknown. Observed: 2 variant alleles. Study: ClinSeq.
Comment: The study set was not selected for affection status in relation to any cancer. Pathogenicity categories were based on literature curation. See Pubmed ID:23861362 for details.

Medical sequencing

Laboratory for Molecular Medicine, Mass General Brigham Personalized Medicine
Classification: Benign. Last evaluated: 2012-03-02. Review status: criteria provided, single submitter. Criteria: LMM Criteria. Collection method: clinical testing. Allele origin: germline. Observed: 13 variant alleles.
Comment: Thr3840Ile in exon 45B of TTN: This variant is not expected to have clinical sig nificance because it has been identified in 1.3% (38/3022) of African American c hromosomes from a broad population by the NHLBI Exome Sequencing Project (dbSNP rs80136515).

Breakthrough Genomics
Classification: Benign. Review status: criteria provided, single submitter. Criteria: ACMG Guidelines, 2015. Collection method: not provided. Allele origin: germline. Inheritance: Autosomal recessive inheritance. Affected: yes.

PreventionGenetics, part of Exact Sciences
Classification: Benign for TTN-related condition. Last evaluated: 2019-05-29. Review status: no assertion criteria provided. Collection method: clinical testing. Allele origin: germline. Not counted in ClinVar's aggregate classification.
Comment: This variant is classified as benign based on ACMG/AMP sequence variant interpretation guidelines (Richards et al. 2015 PMID: 25741868, with internal and published modifications).

Clinical Genetics DNA and cytogenetics Diagnostics Lab, Erasmus MC, Erasmus Medical Center
Classification: Benign. Review status: no assertion criteria provided. Collection method: clinical testing. Allele origin: germline. Affected: yes. Study: VKGL Data-share Consensus. Not counted in ClinVar's aggregate classification.

Clinical Genetics, Academic Medical Center
Classification: Benign. Review status: no assertion criteria provided. Collection method: clinical testing. Allele origin: germline. Affected: yes. Study: VKGL Data-share Consensus. Not counted in ClinVar's aggregate classification.

NM_001267550.2(TTN):c.12233C>T (p.Thr4078Ile)

Gene: TTN (titin; minus strand). Cytogenetic location: 2q31.2.
Variant type: single nucleotide variant.
Coding change: c.12233C>T on transcript NM_001267550.2 (MANE Select); coding-DNA position 12233, C replaced by T.
Protein change: p.Thr4078Ile; replaces threonine 4078 with isoleucine.
Molecular consequence: missense variant. On other transcripts: intron variant (1).
Genome position (GRCh38, 1-based): chr2:178,741,000, G>A on the plus strand (C>T on the coding strand, the complement: TTN is on the minus strand). VCF-style: chr2-178741000-G-A. GRCh37 (hg19) VCF-style: chr2-179605727-G-A.
Other names: p.T3761I:ACC>ATC; c.11282C>T, p.Thr3761Ile (NM_001256850.1); c.11144C>T, p.Thr3715Ile (NM_003319.4); c.11519C>T, p.Thr3840Ile (NM_133432.3); c.11720C>T, p.Thr3907Ile (NM_133437.4); c.10361-2640C>T (NM_133378.4); short protein forms T4078I, T3761I, T3840I, T3715I, T3907I.
Identifiers: ClinVar variation 47821 (VCV000047821.59), dbSNP rs80136515, ClinGen allele CA284526.